The following is an entry in ClinVar:

ClinVar aggregate classification (germline): Uncertain significance (1 of 4 stars; one submission).

Conditions:
Cardiovascular phenotype. Identifiers: MedGen CN230736.

Allele frequency attached by ClinVar (database versions not stated): gnomAD exomes below 0.00001.
gnomAD v4.1: 1 of 1,613,702 alleles (0.000062%); highest among the groups gnomAD compares: Non-Finnish European, 0.000085%; no homozygotes.

Submission:

Ambry Genetics
Classification: Uncertain significance for Cardiovascular phenotype. Last evaluated: 2026-08-03. Review status: criteria provided, single submitter. Criteria: Ambry Variant Classification Scheme 2023. Collection method: clinical testing. Allele origin: germline.
Comment: The c.1857+4A>G intronic variant results from an A to G substitution 4 nucleotides after coding exon 10 in the LDB3 gene. This nucleotide position is highly conserved in available vertebrate species. In silico splice site analysis for this alteration is inconclusive. Based on the available evidence, the clinical significance of this variant remains unclear.

NM_007078.3(LDB3):c.1857+4A>G

Gene: LDB3 (LIM domain binding 3; plus strand). Cytogenetic location: 10q23.2.
Variant type: single nucleotide variant.
Coding change: c.1857+4A>G on transcript NM_007078.3 (MANE Select); 4 bases into the intron after coding-DNA position 1857, A replaced by G.
Molecular consequence: intron variant.
Genome position (GRCh38, 1-based): chr10:86,718,148, A>G. VCF-style: chr10-86718148-A-G. GRCh37 (hg19) VCF-style: chr10-88477905-A-G.
Other names: c.1668+4A>G (NM_001368064.1, NM_001368065.1); c.1872+4A>G (NM_001171610.2); c.1716+4A>G (NM_001368066.1); c.1527+4A>G (NM_001080114.2).
Identifiers: ClinVar variation 1781415 (VCV001781415.3), dbSNP rs1453134913, ClinGen allele CA595183706.